The following is an entry in ClinVar:

ClinVar aggregate classification (germline): Uncertain significance (1 of 4 stars; one submission).

gnomAD v4.1: 1 of 1,614,000 alleles (0.000062%); highest among the groups gnomAD compares: African/African-American, 0.0013%; no homozygotes.

Submission:

Mayo Clinic Laboratories, Mayo Clinic
Classification: Uncertain significance. Last evaluated: 2024-06-05. Review status: criteria provided, single submitter. Criteria: ACMG Guidelines, 2015. Collection method: clinical testing. Allele origin: germline. Observed: 1 variant allele.
Comment: BP4, PM2

NM_001375834.1(WIPF1):c.433A>G (p.Ser145Gly)

Gene: WIPF1 (WAS/WASL interacting protein family member 1; minus strand). Cytogenetic location: 2q31.1.
Variant type: single nucleotide variant.
Coding change: c.433A>G on transcript NM_001375834.1 (MANE Select); coding-DNA position 433, A replaced by G.
Protein change: p.Ser145Gly; replaces serine 145 with glycine.
Molecular consequence: missense variant. On other transcripts: intron variant (1).
Genome position (GRCh38, 1-based): chr2:174,572,372, T>C on the plus strand (A>G on the coding strand, the complement: WIPF1 is on the minus strand). VCF-style: chr2-174572372-T-C. GRCh37 (hg19) VCF-style: chr2-175437100-T-C.
Other names: p.Ser145Gly; c.433A>G, p.Ser145Gly (NM_001077269.1, NM_001375832.1, NM_001375833.1 and 5 more transcripts); c.182-127A>G (NM_001375839.1); short protein forms S145G.
Identifiers: ClinVar variation 3380854 (VCV003380854.1).